The following is an entry in ClinVar:

NC_000017.11:g.(?_43090924)_(43106553_?)del

Genes: BRCA1 (BRCA1 DNA repair associated; minus strand), LOC126862571 (BRD4-independent group 4 enhancer GRCh37_chr17:41243136-41244335; plus strand). Cytogenetic location: 17q21.31.
Variant type: Deletion.
Identifiers: ClinVar variation 583942 (VCV000583942.2).

ClinVar aggregate classification (germline): Pathogenic (1 of 4 stars; one submission).

Conditions:
Hereditary breast ovarian cancer syndrome. Also called: Hereditary breast and ovarian cancer syndrome; Hereditary breast and/or ovarian cancer syndrome; Hereditary breast and ovarian cancer syndrome (HBOC); Breast and ovarian cancer; BRCA1- and BRCA2-Associated Hereditary Breast and Ovarian Cancer; Hereditary breast and ovarian cancer. Identifiers: Orphanet 145, MedGen C0677776, MeSH D061325, MONDO:0003582. Disease mechanism: loss of function.

Submission:

Labcorp Genetics (formerly Invitae), Labcorp
Classification: Pathogenic for Hereditary breast ovarian cancer syndrome. Last evaluated: 2022-09-29. Review status: criteria provided, single submitter. Criteria: Invitae Variant Classification Sherloc (09022015). Collection method: clinical testing. Allele origin: germline.
Comment: This variant is a gross deletion of the genomic region encompassing exon(s) 4-11 of the BRCA1 gene. This deletion is out-of-frame, and is expected to create a premature termination codon and result in an absent or disrupted protein product. Loss-of-function variants in BRCA1 are known to be pathogenic (PMID: 20104584). This variant has not been reported in the literature in individuals affected with BRCA1-related conditions. For these reasons, this variant has been classified as Pathogenic.

Literature cited by the submitters: PubMed 20104584.